The following is an entry in ClinVar:

NM_000487.6(ARSA):c.454T>A (p.Ser152Thr)

Gene: ARSA (arylsulfatase A; minus strand). Cytogenetic location: 22q13.33.
Variant type: single nucleotide variant.
Coding change: c.454T>A on transcript NM_000487.6 (MANE Select); coding-DNA position 454, T replaced by A.
Protein change: p.Ser152Thr; replaces serine 152 with threonine.
Molecular consequence: missense variant.
Genome position (GRCh38, 1-based): chr22:50,627,177, A>T on the plus strand (T>A on the coding strand, the complement: ARSA is on the minus strand). VCF-style: chr22-50627177-A-T. GRCh37 (hg19) VCF-style: chr22-51065605-A-T.
Other names: c.454T>A, p.Ser152Thr (NM_001085425.3, NM_001085426.3, NM_001085427.3); c.196T>A, p.Ser66Thr (NM_001085428.3, NM_001362782.2); short protein forms S152T, S66T.
Identifiers: ClinVar variation 2428178 (VCV002428178.7), dbSNP rs754595975, ClinGen allele CA10325031.

ClinVar aggregate classification (germline): Uncertain significance. Review status: criteria provided, multiple submitters, no conflicts (2 of 4 stars). 3 submissions from 3 submitters: Uncertain significance (3). Last evaluated 2026-03-12.

Conditions:
Metachromatic leukodystrophy (MLD). Also called: METACHROMATIC LEUKOENCEPHALOPATHY; SULFATIDE LIPIDOSIS; Cerebral sclerosis diffuse metachromatic form; Arylsulfatase A Deficiency; ARSA DEFICIENCY; CEREBROSIDE SULFATASE DEFICIENCY. Identifiers: Orphanet 512, MedGen C0023522, MONDO:0018868, OMIM 250100.

Allele frequency attached by ClinVar (database versions not stated): ExAC 0.00001; gnomAD 0.00001; TOPMed 0.00001; gnomAD exomes 0.00003.

Submissions (3):

Myriad Genetics, Inc.
Classification: Uncertain significance for Metachromatic leukodystrophy. Last evaluated: 2026-03-12. Review status: criteria provided, single submitter. Criteria: Myriad Autosomal Dominant, Autosomal Recessive and X-Linked Classification Criteria (2023). Collection method: clinical testing. Allele origin: unknown.
Comment: NM_000487.5(ARSA):c.454T>A(S152T) is a missense variant classified as a variant of uncertain significance in the context of metachromatic leukodystrophy. S152T has not been observed in cases with relevant disease. Relevant functional assessments of this variant are available in the literature (PMID: 37480112). S152T has been observed in referenced population frequency databases. In summary, there is insufficient evidence to classify NM_000487.5(ARSA):c.454T>A(S152T) as pathogenic or benign. Please note: this variant was assessed in the context of healthy population screening.

Women's Health and Genetics/Laboratory Corporation of America, LabCorp
Classification: Uncertain significance. Last evaluated: 2024-08-19. Review status: criteria provided, single submitter. Criteria: LabCorp Variant Classification Summary - May 2015. Collection method: clinical testing. Allele origin: germline.

Labcorp Genetics (formerly Invitae), Labcorp
Classification: Uncertain significance for Metachromatic leukodystrophy. Last evaluated: 2021-08-31. Review status: criteria provided, single submitter. Criteria: Invitae Variant Classification Sherloc (09022015). Collection method: clinical testing. Allele origin: germline.
Comment: This sequence change replaces serine with threonine at codon 152 of the ARSA protein (p.Ser152Thr). The serine residue is highly conserved and there is a small physicochemical difference between serine and threonine. This variant is present in population databases (rs754595975, ExAC 0.002%). This variant has not been reported in the literature in individuals affected with ARSA-related conditions. Algorithms developed to predict the effect of missense changes on protein structure and function are either unavailable or do not agree on the potential impact of this missense change (SIFT: "Tolerated"; PolyPhen-2: "Possibly Damaging"; Align-GVGD: "Class C0"). In summary, the available evidence is currently insufficient to determine the role of this variant in disease. Therefore, it has been classified as a Variant of Uncertain Significance.

Literature cited by the submitters: PubMed 37480112 (cited by Myriad Genetics, Inc.).